The following is an entry in ClinVar:

NM_000642.3(AGL):c.3395G>A (p.Arg1132Lys)

Gene: AGL (amylo-alpha-1,6-glucosidase and 4-alpha-glucanotransferase; plus strand). Cytogenetic location: 1p21.2.
Variant type: single nucleotide variant.
Coding change: c.3395G>A on transcript NM_000642.3 (MANE Select); coding-DNA position 3395, G replaced by A.
Protein change: p.Arg1132Lys; replaces arginine 1132 with lysine.
Molecular consequence: missense variant.
Genome position (GRCh38, 1-based): chr1:99,900,668, G>A. VCF-style: chr1-99900668-G-A. GRCh37 (hg19) VCF-style: chr1-100366224-G-A.
Other names: c.3395G>A, p.Arg1132Lys (NM_000028.3, NM_000643.3, NM_000644.3 and 1 more transcripts); c.3347G>A, p.Arg1116Lys (NM_000646.3); c.3374G>A, p.Arg1125Lys (NM_001425326.1); c.3194G>A, p.Arg1065Lys (NM_001425327.1); c.3191G>A, p.Arg1064Lys (NM_001425328.1); c.3056G>A, p.Arg1019Lys (NM_001425329.1); c.3017G>A, p.Arg1006Lys (NM_001425332.1); short protein forms R1132K, R1116K, R1006K, R1019K, R1064K, R1065K, R1125K.
Identifiers: ClinVar variation 1397857 (VCV001397857.5), dbSNP rs1216059782, ClinGen allele CA341330785.
Genomic context (GRCh38, chr1:99,900,668, plus strand): 5'-TCTGATCCACTTAATTCTGTTGTTTTAGGAATATTATTTTAGCATTTGCGGGTACCCTGA[G>A]GCATGGTCTCATTCCTAATCTACTGGGTGAAGGAATTTATGCCAGATACAATTGTCGGGA-3'
Protein context (NP_000633.2, residues 1122-1142): NIILAFAGTL[Arg1132Lys]HGLIPNLLGE

ClinVar aggregate classification (germline): Uncertain significance (1 of 4 stars; one submission).

Conditions:
Glycogen storage disease type III (GSD3). Also called: Cori disease; FORBES DISEASE. Identifiers: Orphanet 366, MedGen C0017922, MONDO:0009291, OMIM 232400.

gnomAD v4.1: 5 of 1,614,124 alleles (0.00031%); highest among the groups gnomAD compares: Admixed American, 0.0017%; no homozygotes.

Submission:

Labcorp Genetics (formerly Invitae), Labcorp
Classification: Uncertain significance for Glycogen storage disease type III. Last evaluated: 2021-09-24. Review status: criteria provided, single submitter. Criteria: Invitae Variant Classification Sherloc (09022015). Collection method: clinical testing. Allele origin: germline.
Comment: This sequence change replaces arginine with lysine at codon 1132 of the AGL protein (p.Arg1132Lys). The arginine residue is moderately conserved and there is a small physicochemical difference between arginine and lysine. This variant is not present in population databases (ExAC no frequency). This variant has not been reported in the literature in individuals with AGL-related conditions. Algorithms developed to predict the effect of missense changes on protein structure and function are either unavailable or do not agree on the potential impact of this missense change (SIFT: "Tolerated"; PolyPhen-2: "Probably Damaging"; Align-GVGD: "Class C0"). In summary, the available evidence is currently insufficient to determine the role of this variant in disease. Therefore, it has been classified as a Variant of Uncertain Significance.